The following is an entry in ClinVar:

ClinVar aggregate classification (germline): Uncertain significance (1 of 4 stars; one submission).

Conditions:
Severe combined immunodeficiency due to DNA-PKcs deficiency. Also called: IMMUNODEFICIENCY 26 WITH NEUROLOGIC ABNORMALITIES; Immunodeficiency 26 with or without neurologic abnormalities. Identifiers: Orphanet 317425, MedGen C4014833, MONDO:0014423, OMIM 615966.

Submission:

Labcorp Genetics (formerly Invitae), Labcorp
Classification: Uncertain significance for Severe combined immunodeficiency due to DNA-PKcs deficiency. Last evaluated: 2020-06-10. Review status: criteria provided, single submitter. Criteria: Invitae Variant Classification Sherloc (09022015). Collection method: clinical testing. Allele origin: germline.
Comment: This sequence change replaces phenylalanine with leucine at codon 2823 of the PRKDC protein (p.Phe2823Leu). The phenylalanine residue is weakly conserved and there is a small physicochemical difference between phenylalanine and leucine. This variant is not present in population databases (ExAC no frequency). This variant has not been reported in the literature in individuals with PRKDC-related conditions. Experimental studies and prediction algorithms are not available or were not evaluated, and the functional significance of this variant is currently unknown. In summary, the available evidence is currently insufficient to determine the role of this variant in disease. Therefore, it has been classified as a Variant of Uncertain Significance.

NM_006904.7(PRKDC):c.8469T>G (p.Phe2823Leu)

Gene: PRKDC (protein kinase, DNA-activated, catalytic subunit; minus strand). Cytogenetic location: 8q11.21.
Variant type: single nucleotide variant.
Coding change: c.8469T>G on transcript NM_006904.7 (MANE Select); coding-DNA position 8469, T replaced by G.
Protein change: p.Phe2823Leu; replaces phenylalanine 2823 with leucine.
Molecular consequence: missense variant.
Genome position (GRCh38, 1-based): chr8:47,828,276, A>C on the plus strand (T>G on the coding strand, the complement: PRKDC is on the minus strand). VCF-style: chr8-47828276-A-C. GRCh37 (hg19) VCF-style: chr8-48740837-A-C.
Other names: c.8469T>G, p.Phe2823Leu (NM_001081640.2); short protein forms F2823L.
Identifiers: ClinVar variation 1017600 (VCV001017600.3), dbSNP rs2087782957, ClinGen allele CA371144523.